The following is an entry in ClinVar:

NM_004260.4(RECQL4):c.1597C>G (p.Leu533Val)

Gene: RECQL4 (RecQ like helicase 4; minus strand). Cytogenetic location: 8q24.3.
Variant type: single nucleotide variant.
Coding change: c.1597C>G on transcript NM_004260.4 (MANE Select); coding-DNA position 1597, C replaced by G.
Protein change: p.Leu533Val; replaces leucine 533 with valine.
Molecular consequence: missense variant.
Genome position (GRCh38, 1-based): chr8:144,514,959, G>C on the plus strand (C>G on the coding strand, the complement: RECQL4 is on the minus strand). VCF-style: chr8-144514959-G-C. GRCh37 (hg19) VCF-style: chr8-145740343-G-C.
Other names: short protein forms L533V.
Identifiers: ClinVar variation 834768 (VCV000834768.9), dbSNP rs769939735, ClinGen allele CA372683523.

ClinVar aggregate classification (germline): Uncertain significance. Review status: criteria provided, multiple submitters, no conflicts (2 of 4 stars). 2 submissions from 2 submitters: Uncertain significance (2). Last evaluated 2026-05-14.

Conditions:
Inborn genetic diseases. Identifiers: MedGen C0950123, MeSH D030342.
Baller-Gerold syndrome (BGS). Also called: CRANIOSYNOSTOSIS WITH RADIAL DEFECTS. Identifiers: Orphanet 1225, MedGen C0265308, MONDO:0009039, OMIM 218600.

gnomAD v4.1: 3 of 1,611,774 alleles (0.00019%); highest among the groups gnomAD compares: Non-Finnish European, 0.00025%; no homozygotes.

Submissions (2):

Ambry Genetics
Classification: Uncertain significance for Inborn genetic diseases. Last evaluated: 2026-05-14. Review status: criteria provided, single submitter. Criteria: Ambry Variant Classification Scheme 2023. Collection method: clinical testing. Allele origin: germline.
Comment: The p.L533V variant (also known as c.1597C>G), located in coding exon 9 of the RECQL4 gene, results from a C to G substitution at nucleotide position 1597. The leucine at codon 533 is replaced by valine, an amino acid with highly similar properties. This amino acid position is conserved. In addition, the in silico prediction for this alteration is inconclusive. Based on the available evidence, the clinical significance of this variant remains unclear.

Labcorp Genetics (formerly Invitae), Labcorp
Classification: Uncertain significance for Baller-Gerold syndrome. Last evaluated: 2025-10-01. Review status: criteria provided, single submitter. Criteria: Invitae Variant Classification Sherloc (09022015). Collection method: clinical testing. Allele origin: germline.
Comment: This sequence change replaces leucine, which is neutral and non-polar, with valine, which is neutral and non-polar, at codon 533 of the RECQL4 protein (p.Leu533Val). This variant is not present in population databases (gnomAD no frequency). This variant has not been reported in the literature in individuals affected with RECQL4-related conditions. ClinVar contains an entry for this variant (Variation ID: 834768). Invitae Evidence Modeling of protein sequence and biophysical properties (such as structural, functional, and spatial information, amino acid conservation, physicochemical variation, residue mobility, and thermodynamic stability) indicates that this missense variant is expected to disrupt RECQL4 protein function with a positive predictive value of 80%. In summary, the available evidence is currently insufficient to determine the role of this variant in disease. Therefore, it has been classified as a Variant of Uncertain Significance.